The following is an entry in ClinVar:

NM_032242.4(PLXNA1):c.2796C>G (p.Ala932=)

Gene: PLXNA1 (plexin A1; plus strand). Cytogenetic location: 3q21.3.
Variant type: single nucleotide variant.
Coding change: c.2796C>G on transcript NM_032242.4 (MANE Select); coding-DNA position 2796, C replaced by G.
Protein change: p.Ala932=; no amino-acid change (alanine 932 retained).
Molecular consequence: synonymous variant.
Genome position (GRCh38, 1-based): chr3:127,014,750, C>G. VCF-style: chr3-127014750-C-G. GRCh37 (hg19) VCF-style: chr3-126733593-C-G.
Identifiers: ClinVar variation 4991642 (VCV004991642.1).

ClinVar aggregate classification (germline): Likely benign (1 of 4 stars; one submission).

Conditions:
PLXNA1-related disorder. Also called: PLXNA1-related condition.

Submission:

PreventionGenetics, part of Exact Sciences
Classification: Likely benign for PLXNA1-related condition. Last evaluated: 2026-07-07. Review status: criteria provided, single submitter. Criteria: ACMG Guidelines, 2015. Collection method: clinical testing. Allele origin: germline.
Comment: This variant is classified as likely benign based on ACMG/AMP sequence variant interpretation guidelines (Richards et al. 2015 PMID: 25741868, with internal and published modifications).